The following is an entry in ClinVar:

ClinVar aggregate classification (germline): Uncertain significance (1 of 4 stars; one submission).

Allele frequency attached by ClinVar (database versions not stated): TOPMed 0.00002; ExAC 0.00004.

Submission:

Labcorp Genetics (formerly Invitae), Labcorp
Classification: Uncertain significance. Last evaluated: 2024-12-02. Review status: criteria provided, single submitter. Criteria: Invitae Variant Classification Sherloc (09022015). Collection method: clinical testing. Allele origin: germline.
Comment: This sequence change replaces serine, which is neutral and polar, with threonine, which is neutral and polar, at codon 294 of the SLC24A5 protein (p.Ser294Thr). This variant is present in population databases (rs780964987, gnomAD 0.009%). This variant has not been reported in the literature in individuals affected with SLC24A5-related conditions. ClinVar contains an entry for this variant (Variation ID: 2041317). Invitae Evidence Modeling of protein sequence and biophysical properties (such as structural, functional, and spatial information, amino acid conservation, physicochemical variation, residue mobility, and thermodynamic stability) indicates that this missense variant is not expected to disrupt SLC24A5 protein function with a negative predictive value of 80%. In summary, the available evidence is currently insufficient to determine the role of this variant in disease. Therefore, it has been classified as a Variant of Uncertain Significance.

NM_205850.3(SLC24A5):c.881G>C (p.Ser294Thr)

Genes: MYEF2 (myelin expression factor 2; minus strand), SLC24A5 (solute carrier family 24 member 5; plus strand). Cytogenetic location: 15q21.1.
Variant type: single nucleotide variant.
Coding change: c.881G>C on transcript NM_205850.3 (MANE Select); coding-DNA position 881, G replaced by C.
Protein change: p.Ser294Thr; replaces serine 294 with threonine.
Molecular consequence: missense variant. On other transcripts: 3 prime UTR variant (2).
Genome position (GRCh38, 1-based): chr15:48,138,978, G>C. VCF-style: chr15-48138978-G-C. GRCh37 (hg19) VCF-style: chr15-48431175-G-C.
Other names: c.*3930C>G (NM_001301210.2, NM_016132.5); short protein forms S294T.
Identifiers: ClinVar variation 2041317 (VCV002041317.3), dbSNP rs780964987, ClinGen allele CA7546000.